The following is an entry in ClinVar:

NM_000051.4(ATM):c.5313A>C (p.Arg1771Ser)

Gene: ATM (ATM serine/threonine kinase; plus strand). Cytogenetic location: 11q22.3.
Variant type: single nucleotide variant.
Coding change: c.5313A>C on transcript NM_000051.4 (MANE Select); coding-DNA position 5313, A replaced by C.
Protein change: p.Arg1771Ser; replaces arginine 1771 with serine.
Molecular consequence: missense variant.
Genome position (GRCh38, 1-based): chr11:108,301,783, A>C. VCF-style: chr11-108301783-A-C. GRCh37 (hg19) VCF-style: chr11-108172510-A-C.
Other names: c.5313A>C, p.Arg1771Ser (NM_001351834.2); short protein forms R1771S.
Identifiers: ClinVar variation 4614273 (VCV004614273.1).
Genomic context (GRCh38, chr11:108,301,783, plus strand): 5'-GATTTATAAGATGACAACAGATCCAATGCTGGCCTATCTACAGCCTTTTAGAACATCAAG[A>C]AAAAAGGTCTCTTAAGTAATAAATGTTTATTGAATACCCAGCATATCTAAAACAGTTCTG-3'
Protein context (NP_000042.3, residues 1761-1781): LAYLQPFRTS[Arg1771Ser]KKFLEVPRFD

ClinVar aggregate classification (germline): Uncertain significance (1 of 4 stars; one submission).

Conditions:
Hereditary cancer-predisposing syndrome. Also called: Neoplastic Syndromes, Hereditary; Tumor predisposition; Hereditary Cancer Syndrome; Hereditary neoplastic syndrome. Identifiers: Orphanet 140162, MedGen C0027672, MeSH D009386, MONDO:0015356.

Submission:

Ambry Genetics
Classification: Uncertain significance for Hereditary cancer-predisposing syndrome. Last evaluated: 2025-10-23. Review status: criteria provided, single submitter. Criteria: Ambry Variant Classification Scheme 2023. Collection method: clinical testing. Allele origin: germline.
Comment: The p.R1771S variant (also known as c.5313A>C), located in coding exon 34 of the ATM gene, results from an A to C substitution at nucleotide position 5313. The arginine at codon 1771 is replaced by serine, an amino acid with dissimilar properties. This amino acid position is conserved. In addition, the in silico prediction for this alteration is inconclusive. Based on the available evidence, the clinical significance of this variant remains unclear.